The following is an entry in ClinVar:

ClinVar aggregate classification (germline): Uncertain significance (1 of 4 stars; one submission).

Allele frequency attached by ClinVar (database versions not stated): ExAC 0.00001; gnomAD 0.00001; TOPMed 0.00001; gnomAD exomes 0.00002 and 0.00003.
gnomAD v4.1: 50 of 1,613,824 alleles (0.0031%); highest among the groups gnomAD compares: Admixed American, 0.0067%; no homozygotes.

Submission:

Labcorp Genetics (formerly Invitae), Labcorp
Classification: Uncertain significance. Last evaluated: 2022-10-25. Review status: criteria provided, single submitter. Criteria: Invitae Variant Classification Sherloc (09022015). Collection method: clinical testing. Allele origin: germline.
Comment: This sequence change replaces arginine, which is basic and polar, with glutamine, which is neutral and polar, at codon 137 of the SZT2 protein (p.Arg137Gln). This variant is present in population databases (rs758311269, gnomAD 0.003%). This variant has not been reported in the literature in individuals affected with SZT2-related conditions. ClinVar contains an entry for this variant (Variation ID: 947486). Advanced modeling of protein sequence and biophysical properties (such as structural, functional, and spatial information, amino acid conservation, physicochemical variation, residue mobility, and thermodynamic stability) performed at Invitae indicates that this missense variant is not expected to disrupt SZT2 protein function. In summary, the available evidence is currently insufficient to determine the role of this variant in disease. Therefore, it has been classified as a Variant of Uncertain Significance.

NM_001365999.1(SZT2):c.410G>A (p.Arg137Gln)

Gene: SZT2 (SZT2 subunit of KICSTOR complex; plus strand). Cytogenetic location: 1p34.2.
Variant type: single nucleotide variant.
Coding change: c.410G>A on transcript NM_001365999.1 (MANE Select); coding-DNA position 410, G replaced by A.
Protein change: p.Arg137Gln; replaces arginine 137 with glutamine.
Molecular consequence: missense variant.
Genome position (GRCh38, 1-based): chr1:43,404,462, G>A. VCF-style: chr1-43404462-G-A. GRCh37 (hg19) VCF-style: chr1-43870133-G-A.
Other names: c.410G>A, p.Arg137Gln (NM_015284.4); short protein forms R137Q.
Identifiers: ClinVar variation 947486 (VCV000947486.7), dbSNP rs758311269, ClinGen allele CA808164.